The following is an entry in ClinVar:

NM_001165963.4(SCN1A):c.1029-12C>T

Gene: SCN1A (sodium voltage-gated channel alpha subunit 1; minus strand). Cytogenetic location: 2q24.3.
Variant type: single nucleotide variant.
Coding change: c.1029-12C>T on transcript NM_001165963.4 (MANE Select); 12 bases into the intron before coding-DNA position 1029, C replaced by T.
Molecular consequence: intron variant.
Genome position (GRCh38, 1-based): chr2:166,047,780, G>A on the plus strand (C>T on the coding strand, the complement: SCN1A is on the minus strand). VCF-style: chr2-166047780-G-A. GRCh37 (hg19) VCF-style: chr2-166904290-G-A.
Other names: c.1029-12C>T (NM_001202435.1, NM_001353949.2, NM_001353958.2 and 11 more transcripts); c.-1397-12C>T (NM_001353961.2).
Identifiers: ClinVar variation 378511 (VCV000378511.14), dbSNP rs772513720, ClinGen allele CA1943373.
Genomic context (GRCh38, chr2:166,047,780, plus strand): 5'-ATTGGGATTTCTACCAGCTTTCACACACATATATCCCTCTGGACATTGGCTGCAAGTGGG[G>A]TAAAAGAAAGTATTACAAGTCGTTCTGCTGCCTTTTTACTCTGATACTATGCTATGATAT-3'

ClinVar aggregate classification (germline): Benign. Review status: criteria provided, multiple submitters, no conflicts (2 of 4 stars). 3 submissions from 3 submitters: Benign (2). 1 of the submissions does not count toward it. Last evaluated 2025-12-31.

Conditions:
Early-infantile DEE. Also called: Ohtahara syndrome; Early infantile epileptic encephalopathy; Early infantile epileptic encephalopathy with suppression bursts. Identifiers: Orphanet 1934, MedGen C0393706, MONDO:0800491.
SCN1A-related disorder. Also called: SCN1A-related disorders; SCN1A-related conditions; SCN1A-related condition.

Allele frequency attached by ClinVar (database versions not stated): gnomAD 0.00001; gnomAD exomes 0.00003 and 0.00016; TOPMed 0.00005; ExAC 0.00009.
gnomAD v4.1: 49 of 1,613,092 alleles (0.003%); highest among the groups gnomAD compares: Admixed American, 0.08%; no homozygotes.

Submissions (3):

Labcorp Genetics (formerly Invitae), Labcorp
Classification: Benign for Early-infantile DEE. Last evaluated: 2025-12-31. Review status: criteria provided, single submitter. Criteria: Invitae Variant Classification Sherloc (09022015). Collection method: clinical testing. Allele origin: germline.

GeneDx
Classification: Benign. Last evaluated: 2020-12-03. Review status: criteria provided, single submitter. Criteria: GeneDx Variant Classification Process June 2021. Collection method: clinical testing. Allele origin: germline. Affected: yes.

PreventionGenetics, part of Exact Sciences
Classification: Likely benign for SCN1A-related condition. Last evaluated: 2023-12-06. Review status: no assertion criteria provided. Collection method: clinical testing. Allele origin: germline. Not counted in ClinVar's aggregate classification.
Comment: This variant is classified as likely benign based on ACMG/AMP sequence variant interpretation guidelines (Richards et al. 2015 PMID: 25741868, with internal and published modifications).